The following is an entry in ClinVar:

ClinVar aggregate classification (germline): Benign/Likely benign. Review status: criteria provided, multiple submitters, no conflicts (2 of 4 stars). 5 submissions from 5 submitters: Benign (3); Likely benign (2). Last evaluated 2024-11-18.

Conditions:
KBG syndrome (KBGS). Also called: ANKRD11-Related KBG Syndrome. Identifiers: Orphanet 2332, MedGen C0220687, MONDO:0007846, OMIM 148050.
Inborn genetic diseases. Identifiers: MedGen C0950123, MeSH D030342.

Allele frequency attached by ClinVar (database versions not stated): ExAC 0.00002; gnomAD exomes 0.00005 and 0.00020; TOPMed 0.00052; gnomAD 0.00065 and 0.00068.
gnomAD v4.1: 172 of 1,613,758 alleles (0.011%); highest among the groups gnomAD compares: Admixed American, 0.23%; 1 homozygote.

Submissions (5):

Blueprint Genetics
Classification: Benign. Last evaluated: 2024-11-18. Review status: criteria provided, single submitter. Criteria: ACMG Guidelines, 2015. Collection method: clinical testing. Allele origin: germline.

CeGaT Center for Human Genetics Tuebingen
Classification: Likely benign. Last evaluated: 2024-09-01. Review status: criteria provided, single submitter. Criteria: CeGaT Center For Human Genetics Tuebingen Variant Classification Criteria Version 2. Collection method: clinical testing. Allele origin: germline. Affected: yes. Observed: 1 variant allele.
Comment: ANKRD11: BP4, BP7

Labcorp Genetics (formerly Invitae), Labcorp
Classification: Benign for KBG syndrome. Last evaluated: 2023-09-20. Review status: criteria provided, single submitter. Criteria: Invitae Variant Classification Sherloc (09022015). Collection method: clinical testing. Allele origin: germline.

Genome-Nilou Lab
Classification: Benign for KBG syndrome. Last evaluated: 2021-12-05. Review status: criteria provided, single submitter. Criteria: ACMG Guidelines, 2015. Collection method: clinical testing. Allele origin: germline. Affected: no.

Ambry Genetics
Classification: Likely benign for Inborn genetic diseases. Last evaluated: 2017-02-10. Review status: criteria provided, single submitter. Criteria: Ambry Variant Classification Scheme 2023. Collection method: clinical testing. Allele origin: germline.

NM_013275.6(ANKRD11):c.1842C>T (p.Ser614=)

Gene: ANKRD11 (ankyrin repeat domain 11; minus strand). Cytogenetic location: 16q24.3.
Variant type: single nucleotide variant.
Coding change: c.1842C>T on transcript NM_013275.6 (MANE Select); coding-DNA position 1842, C replaced by T.
Protein change: p.Ser614=; no amino-acid change (serine 614 retained).
Molecular consequence: synonymous variant.
Genome position (GRCh38, 1-based): chr16:89,284,700, G>A on the plus strand (C>T on the coding strand, the complement: ANKRD11 is on the minus strand). VCF-style: chr16-89284700-G-A. GRCh37 (hg19) VCF-style: chr16-89351108-G-A.
Other names: c.1842C>T, p.Ser614= (NM_001256182.2, NM_001256183.2).
Identifiers: ClinVar variation 588770 (VCV000588770.30), dbSNP rs764479350, ClinGen allele CA8242679.